The following is an entry in ClinVar:

ClinVar aggregate classification (germline): Uncertain significance (1 of 4 stars; one submission).

Conditions:
Hereditary cancer-predisposing syndrome. Also called: Neoplastic Syndromes, Hereditary; Tumor predisposition; Hereditary Cancer Syndrome; Hereditary neoplastic syndrome. Identifiers: Orphanet 140162, MedGen C0027672, MeSH D009386, MONDO:0015356.

gnomAD v4.1: 1 of 1,614,094 alleles (0.000062%); highest among the groups gnomAD compares: Non-Finnish European, 0.000085%; no homozygotes.

Submission:

Ambry Genetics
Classification: Uncertain significance for Hereditary cancer-predisposing syndrome. Last evaluated: 2026-05-26. Review status: criteria provided, single submitter. Criteria: Ambry Variant Classification Scheme 2023. Collection method: clinical testing. Allele origin: germline.
Comment: The p.A325V variant (also known as c.974C>T), located in coding exon 6 of the MEN1 gene, results from a C to T substitution at nucleotide position 974. The alanine at codon 325 is replaced by valine, an amino acid with similar properties. This amino acid position is highly conserved in available vertebrate species. In addition, this alteration is predicted to be deleterious by in silico analysis. Based on the available evidence, the clinical significance of this variant remains unclear.

NM_001370259.2(MEN1):c.974C>T (p.Ala325Val)

Gene: MEN1 (menin 1; minus strand). Cytogenetic location: 11q13.1.
Variant type: single nucleotide variant.
Coding change: c.974C>T on transcript NM_001370259.2 (MANE Select); coding-DNA position 974, C replaced by T.
Protein change: p.Ala325Val; replaces alanine 325 with valine.
Molecular consequence: missense variant. On other transcripts: non-coding transcript variant (4).
Genome position (GRCh38, 1-based): chr11:64,806,307, G>A on the plus strand (C>T on the coding strand, the complement: MEN1 is on the minus strand). VCF-style: chr11-64806307-G-A. GRCh37 (hg19) VCF-style: chr11-64573779-G-A.
Other names: c.989C>T, p.Ala330Val (NM_000244.4, NM_001407145.1, NM_001407150.1 and 5 more transcripts); c.974C>T, p.Ala325Val (NM_001370251.2, NM_001370260.2, NM_001370261.2 and 7 more transcripts); c.869C>T, p.Ala290Val (NM_001370262.2, NM_001370263.2, NM_001407148.1 and 2 more transcripts); short protein forms A290V, A325V, A330V.
Identifiers: ClinVar variation 4859915 (VCV004859915.1).
Genomic context (GRCh38, chr11:64,806,307, plus strand): 5'-GCCGTGTCCGCCCAGGCCTGCAGGGCTTCCCGCACATTGCGGTTGCGACAGTGGTAGCCA[G>A]CCAGGTACATGTAGGGGTAGATGTGTTCATCCCGATAGTAGGTCTTGGCTGAGGCAATGC-3'
Protein context (NP_001357188.2, residues 315-335): DEHIYPYMYL[Ala325Val]GYHCRNRNVR